The following is an entry in ClinVar:

ClinVar aggregate classification (germline): Conflicting classifications of pathogenicity. Review status: criteria provided, conflicting classifications (1 of 4 stars). 5 submissions from 5 submitters: Uncertain significance (4); Likely benign (1). Last evaluated 2025-11-18.

Conditions:
Myofibrillar myopathy 6. Identifiers: Orphanet 199340, MedGen C2751831, MONDO:0013061, OMIM 612954.
Dilated cardiomyopathy 1HH (CMD1HH). Identifiers: Orphanet 154, MedGen C3151293, MONDO:0013479, OMIM 613881.
Cardiovascular phenotype. Identifiers: MedGen CN230736.

Allele frequency attached by ClinVar (database versions not stated): ExAC 0.00002; gnomAD exomes 0.00002 and 0.00006; TOPMed 0.00002; gnomAD 0.00003 and 0.00004.

Submissions (5):

Labcorp Genetics (formerly Invitae), Labcorp
Classification: Likely benign for Dilated cardiomyopathy 1HH; Myofibrillar myopathy 6. Last evaluated: 2025-11-18. Review status: criteria provided, single submitter. Criteria: Invitae Variant Classification Sherloc (09022015). Collection method: clinical testing. Allele origin: germline.

Blueprint Genetics
Classification: Uncertain significance. Last evaluated: 2023-12-11. Review status: criteria provided, single submitter. Criteria: ACMG Guidelines, 2015. Collection method: clinical testing. Allele origin: germline.

GeneDx
Classification: Uncertain significance. Last evaluated: 2023-05-24. Review status: criteria provided, single submitter. Criteria: GeneDx Variant Classification Process June 2021. Collection method: clinical testing. Allele origin: germline. Affected: yes.
Comment: Has not been previously published as pathogenic or benign to our knowledge; In silico analysis supports that this missense variant does not alter protein structure/function

Ambry Genetics
Classification: Uncertain significance for Cardiovascular phenotype. Last evaluated: 2022-01-26. Review status: criteria provided, single submitter. Criteria: Ambry Variant Classification Scheme 2023. Collection method: clinical testing. Allele origin: germline.

Fulgent Genetics
Classification: Uncertain significance for Myofibrillar myopathy 6; Dilated cardiomyopathy 1HH. Last evaluated: 2018-10-31. Review status: criteria provided, single submitter. Criteria: ACMG Guidelines, 2015. Collection method: clinical testing. Allele origin: unknown.

NM_004281.4(BAG3):c.926G>A (p.Arg309Gln)

Gene: BAG3 (BAG cochaperone 3; plus strand). Cytogenetic location: 10q26.11.
Variant type: single nucleotide variant.
Coding change: c.926G>A on transcript NM_004281.4 (MANE Select); coding-DNA position 926, G replaced by A.
Protein change: p.Arg309Gln; replaces arginine 309 with glutamine.
Molecular consequence: missense variant.
Genome position (GRCh38, 1-based): chr10:119,676,480, G>A. VCF-style: chr10-119676480-G-A. GRCh37 (hg19) VCF-style: chr10-121435992-G-A.
Other names: short protein forms R309Q.
Identifiers: ClinVar variation 471807 (VCV000471807.13), dbSNP rs774137001, ClinGen allele CA5716451.